The following is an entry in ClinVar:

ClinVar aggregate classification (germline): Pathogenic. Review status: criteria provided, multiple submitters, no conflicts (2 of 4 stars). 2 submissions from 2 submitters: Pathogenic (2). Last evaluated 2022-04-29.

Conditions:
Hereditary spastic paraplegia 11. Also called: Spastic Paraplegia 11; Spastic paraplegia, mental retardation and thin corpus callosum; SPASTIC PARAPLEGIA, AUTOSOMAL RECESSIVE, COMPLICATED, WITH THIN CORPUS CALLOSUM; SPASTIC PARAPLEGIA, AUTOSOMAL RECESSIVE, WITH MENTAL IMPAIRMENT AND THIN CORPUS CALLOSUM; Nakamura Osame syndrome; Autosomal recessive hereditary spastic paraplegia, mental impairment, and thin corpus callosum. Identifiers: Orphanet 2822, MedGen C1858479, MONDO:0011445, OMIM 604360.
Inborn genetic diseases. Identifiers: MedGen C0950123, MeSH D030342.

Submissions (2):

Labcorp Genetics (formerly Invitae), Labcorp
Classification: Pathogenic for Hereditary spastic paraplegia 11. Last evaluated: 2022-04-29. Review status: criteria provided, single submitter. Criteria: Invitae Variant Classification Sherloc (09022015). Collection method: clinical testing. Allele origin: germline.
Comment: This sequence change creates a premature translational stop signal (p.Gly2359*) in the SPG11 gene. It is expected to result in an absent or disrupted protein product. Loss-of-function variants in SPG11 are known to be pathogenic (PMID: 19105190, 20110243, 22154821, 26556829). This variant is not present in population databases (gnomAD no frequency). This variant has not been reported in the literature in individuals affected with SPG11-related conditions. ClinVar contains an entry for this variant (Variation ID: 985396). For these reasons, this variant has been classified as Pathogenic.

Ambry Genetics
Classification: Pathogenic for Inborn genetic diseases. Last evaluated: 2018-09-13. Review status: criteria provided, single submitter. Criteria: Ambry exome assertion method (8-5-2015). Collection method: clinical testing. Allele origin: germline. Affected: yes. Observed: 1 variant allele.

Literature cited by the submitters: PubMed 19105190 (cited by Labcorp Genetics (formerly Invitae), Labcorp); PubMed 20110243 (cited by Labcorp Genetics (formerly Invitae), Labcorp); PubMed 22154821 (cited by Labcorp Genetics (formerly Invitae), Labcorp); PubMed 26556829 (cited by Labcorp Genetics (formerly Invitae), Labcorp).

NM_025137.4(SPG11):c.7063_7073dup (p.Lys2358_Gly2359insTer)

Gene: SPG11 (SPG11 vesicle trafficking associated, spatacsin; minus strand). Cytogenetic location: 15q21.1.
Variant type: Duplication.
Coding change: c.7063_7073dup on transcript NM_025137.4 (MANE Select); coding-DNA positions 7063 to 7073, 11 bases duplicated (GTGATTCTTAA).
Protein change: p.Lys2358_Gly2359insTer.
Molecular consequence: nonsense, inframe insertion.
Genome position (GRCh38, 1-based): chr15:44,564,625-44,564,635, TTAAGAATCAC duplicated on the plus strand (GTGATTCTTAA on the coding strand, the reverse complement: SPG11 is on the minus strand); duplicating any 11 consecutive bases within chr15:44,564,625-44,564,637 gives the same sequence; the c. name uses the placement nearest the transcript's 3' end. VCF-style (leftmost placement, unchanged base first): chr15-44564624-T-TTTAAGAATCAC. GRCh37 (hg19) VCF-style: chr15-44856822-T-TTTAAGAATCAC.
Other names: c.6724_6734dup, p.Lys2245_Gly2246insTer (NM_001160227.2).
Identifiers: ClinVar variation 985396 (VCV000985396.7), dbSNP rs2082272406, ClinGen allele CA1139663881.